The following is an entry in ClinVar:

ClinVar aggregate classification (germline): Uncertain significance (1 of 4 stars; one submission).

Allele frequency attached by ClinVar (database versions not stated): gnomAD exomes below 0.00001.
gnomAD v4.1: 1 of 1,611,424 alleles (0.000062%); highest among the groups gnomAD compares: South Asian, 0.0011%; no homozygotes.

Submission:

Labcorp Genetics (formerly Invitae), Labcorp
Classification: Uncertain significance. Last evaluated: 2022-01-21. Review status: criteria provided, single submitter. Criteria: Invitae Variant Classification Sherloc (09022015). Collection method: clinical testing. Allele origin: germline.
Comment: This sequence change replaces alanine, which is neutral and non-polar, with serine, which is neutral and polar, at codon 2178 of the DCHS1 protein (p.Ala2178Ser). This variant is not present in population databases (gnomAD no frequency). This variant has not been reported in the literature in individuals affected with DCHS1-related conditions. Advanced modeling of protein sequence and biophysical properties (such as structural, functional, and spatial information, amino acid conservation, physicochemical variation, residue mobility, and thermodynamic stability) performed at Invitae indicates that this missense variant is not expected to disrupt DCHS1 protein function. In summary, the available evidence is currently insufficient to determine the role of this variant in disease. Therefore, it has been classified as a Variant of Uncertain Significance.

NM_003737.4(DCHS1):c.6532G>T (p.Ala2178Ser)

Gene: DCHS1 (dachsous cadherin-related 1; minus strand). Cytogenetic location: 11p15.4.
Variant type: single nucleotide variant.
Coding change: c.6532G>T on transcript NM_003737.4 (MANE Select); coding-DNA position 6532, G replaced by T.
Protein change: p.Ala2178Ser; replaces alanine 2178 with serine.
Molecular consequence: missense variant.
Genome position (GRCh38, 1-based): chr11:6,626,213, C>A on the plus strand (G>T on the coding strand, the complement: DCHS1 is on the minus strand). VCF-style: chr11-6626213-C-A. GRCh37 (hg19) VCF-style: chr11-6647444-C-A.
Other names: short protein forms A2178S.
Identifiers: ClinVar variation 1989918 (VCV001989918.4), dbSNP rs2493816553, ClinGen allele CA379387930.
Genomic context (GRCh38, chr11:6,626,213, plus strand): 5'-CCATCACACCCCGCACCTGCAGCAGGGGCCCCTCCAAGGGCCGGGACTCAGGAAGGAAGG[C>A]CACATAATGGGGCCGCAGGAAACGGGGAGCATTGTCGTTGGCATCTTGCAGGGTCAGGGT-3'
Protein context (NP_003728.1, residues 2168-2188): APRFLRPHYV[Ala2178Ser]FLPESRPLEG